The following is an entry in ClinVar:

NM_014236.4(GNPAT):c.1795C>T (p.Gln599Ter)

Gene: GNPAT (glyceronephosphate O-acyltransferase; plus strand). Cytogenetic location: 1q42.2.
Variant type: single nucleotide variant.
Coding change: c.1795C>T on transcript NM_014236.4 (MANE Select); coding-DNA position 1795, C replaced by T.
Protein change: p.Gln599Ter; replaces glutamine 599 with a stop codon.
Molecular consequence: nonsense.
Genome position (GRCh38, 1-based): chr1:231,275,272, C>T. VCF-style: chr1-231275272-C-T. GRCh37 (hg19) VCF-style: chr1-231411018-C-T.
Other names: c.1612C>T, p.Gln538Ter (NM_001316350.2); short protein forms Q538*, Q599*.
Identifiers: ClinVar variation 2703571 (VCV002703571.3), dbSNP rs1487477220, ClinGen allele CA345239882.

ClinVar aggregate classification (germline): Pathogenic (1 of 4 stars; one submission).

Allele frequency attached by ClinVar (database versions not stated): gnomAD exomes below 0.00001.
gnomAD v4.1: 2 of 1,613,172 alleles (0.00012%); highest among the groups gnomAD compares: South Asian, 0.0011%; no homozygotes.

Submission:

Labcorp Genetics (formerly Invitae), Labcorp
Classification: Pathogenic. Last evaluated: 2023-12-16. Review status: criteria provided, single submitter. Criteria: Invitae Variant Classification Sherloc (09022015). Collection method: clinical testing. Allele origin: germline.
Comment: This sequence change creates a premature translational stop signal (p.Gln599*) in the GNPAT gene. It is expected to result in an absent or disrupted protein product. Loss-of-function variants in GNPAT are known to be pathogenic (PMID: 9536089, 21990100). This variant is not present in population databases (gnomAD no frequency). This variant has not been reported in the literature in individuals affected with GNPAT-related conditions. For these reasons, this variant has been classified as Pathogenic.

Literature cited by the submitters: PubMed 9536089; PubMed 21990100.